The following is an entry in ClinVar:

NM_000260.4(MYO7A):c.1172C>T (p.Ala391Val)

Gene: MYO7A (myosin VIIA; plus strand). Cytogenetic location: 11q13.5.
Variant type: single nucleotide variant.
Coding change: c.1172C>T on transcript NM_000260.4 (MANE Select); coding-DNA position 1172, C replaced by T.
Protein change: p.Ala391Val; replaces alanine 391 with valine.
Molecular consequence: missense variant.
Genome position (GRCh38, 1-based): chr11:77,160,254, C>T. VCF-style: chr11-77160254-C-T. GRCh37 (hg19) VCF-style: chr11-76871300-C-T.
Other names: c.1172C>T, p.Ala391Val (NM_001127180.2); c.1139C>T, p.Ala380Val (NM_001369365.1); short protein forms A391V, A380V.
Identifiers: ClinVar variation 557374 (VCV000557374.3), dbSNP rs1555067608, ClinGen allele CA381934593.

ClinVar aggregate classification (germline): Uncertain significance. Review status: criteria provided, single submitter (1 of 4 stars). 2 submissions from 2 submitters: Uncertain significance (1). 1 of the submissions does not count toward it. Last evaluated 2025-05-14.

Conditions:
Autosomal recessive nonsyndromic hearing loss 2. Also called: DEAFNESS, AUTOSOMAL RECESSIVE 2; NEUROSENSORY NONSYNDROMIC RECESSIVE DEAFNESS 2. Identifiers: Orphanet 90636, MedGen C1838701, MONDO:0010807, OMIM 600060.
Usher syndrome type 1 (USH1). Also called: RETINITIS PIGMENTOSA AND CONGENITAL DEAFNESS. Identifiers: Orphanet 231169, Orphanet 886, MedGen C1568247, MONDO:0010168, OMIM 276900.

Submissions (2):

Labcorp Genetics (formerly Invitae), Labcorp
Classification: Uncertain significance. Last evaluated: 2025-05-14. Review status: criteria provided, single submitter. Criteria: Invitae Variant Classification Sherloc (09022015). Collection method: clinical testing. Allele origin: germline.
Comment: This sequence change replaces alanine, which is neutral and non-polar, with valine, which is neutral and non-polar, at codon 391 of the MYO7A protein (p.Ala391Val). This variant is not present in population databases (gnomAD no frequency). This missense change has been observed in individual(s) with autosomal recessive deafness (PMID: 27068579). ClinVar contains an entry for this variant (Variation ID: 557374). Invitae Evidence Modeling of protein sequence and biophysical properties (such as structural, functional, and spatial information, amino acid conservation, physicochemical variation, residue mobility, and thermodynamic stability) indicates that this missense variant is not expected to disrupt MYO7A protein function with a negative predictive value of 95%. Algorithms developed to predict the effect of sequence changes on RNA splicing suggest that this variant may disrupt the consensus splice site. In summary, the available evidence is currently insufficient to determine the role of this variant in disease. Therefore, it has been classified as a Variant of Uncertain Significance.

Counsyl
Classification: Uncertain significance for Usher syndrome type 1; Autosomal recessive nonsyndromic hearing loss 2. Last evaluated: 2018-03-23. Review status: no assertion criteria provided. Collection method: clinical testing. Allele origin: unknown. Not counted in ClinVar's aggregate classification.

Literature cited by the submitters: PubMed 27068579 (cited by Labcorp Genetics (formerly Invitae), Labcorp and Counsyl).